The following is an entry in ClinVar:

NM_004370.6(COL12A1):c.772G>C (p.Glu258Gln)

Gene: COL12A1 (collagen type XII alpha 1 chain; minus strand). Cytogenetic location: 6q13.
Variant type: single nucleotide variant.
Coding change: c.772G>C on transcript NM_004370.6 (MANE Select); coding-DNA position 772, G replaced by C.
Protein change: p.Glu258Gln; replaces glutamic acid 258 with glutamine.
Molecular consequence: missense variant. On other transcripts: intron variant (1).
Genome position (GRCh38, 1-based): chr6:75,189,268, C>G on the plus strand (G>C on the coding strand, the complement: COL12A1 is on the minus strand). VCF-style: chr6-75189268-C-G. GRCh37 (hg19) VCF-style: chr6-75898984-C-G.
Other names: c.73+13452G>C (NM_080645.3); short protein forms E258Q.
Identifiers: ClinVar variation 2013331 (VCV002013331.4), dbSNP rs1312651383, ClinGen allele CA364727889.

ClinVar aggregate classification (germline): Uncertain significance (1 of 4 stars; one submission).

Conditions:
Ullrich congenital muscular dystrophy 2 (UCMD2). Identifiers: Orphanet 75840, MedGen C4225314, MONDO:0014654, OMIM 616470.
Bethlem myopathy 2 (BTHLM2). Identifiers: Orphanet 536516, Orphanet 610, MedGen C4225313, MONDO:0034022, OMIM 616471.

Allele frequency attached by ClinVar (database versions not stated): TOPMed below 0.00001.

Submission:

Labcorp Genetics (formerly Invitae), Labcorp
Classification: Uncertain significance for Bethlem myopathy 2; Ullrich congenital muscular dystrophy 2. Last evaluated: 2022-07-02. Review status: criteria provided, single submitter. Criteria: Invitae Variant Classification Sherloc (09022015). Collection method: clinical testing. Allele origin: germline.
Comment: In summary, the available evidence is currently insufficient to determine the role of this variant in disease. Therefore, it has been classified as a Variant of Uncertain Significance. Algorithms developed to predict the effect of missense changes on protein structure and function are either unavailable or do not agree on the potential impact of this missense change (SIFT: "Deleterious"; PolyPhen-2: "Possibly Damaging"; Align-GVGD: "Class C0"). This variant has not been reported in the literature in individuals affected with COL12A1-related conditions. This variant is not present in population databases (gnomAD no frequency). This sequence change replaces glutamic acid, which is acidic and polar, with glutamine, which is neutral and polar, at codon 258 of the COL12A1 protein (p.Glu258Gln).